The following is an entry in ClinVar:

NM_005908.4(MANBA):c.1753C>T (p.Arg585Ter)

Gene: MANBA (mannosidase beta; minus strand). Cytogenetic location: 4q24.
Variant type: single nucleotide variant.
Coding change: c.1753C>T on transcript NM_005908.4 (MANE Select); coding-DNA position 1753, C replaced by T.
Protein change: p.Arg585Ter; replaces arginine 585 with a stop codon.
Molecular consequence: nonsense.
Genome position (GRCh38, 1-based): chr4:102,650,653, G>A on the plus strand (C>T on the coding strand, the complement: MANBA is on the minus strand). VCF-style: chr4-102650653-G-A. GRCh37 (hg19) VCF-style: chr4-103571810-G-A.
Other names: short protein forms R585*.
Identifiers: ClinVar variation 1705136 (VCV001705136.8), dbSNP rs759449765, ClinGen allele CA3026808.

ClinVar aggregate classification (germline): Pathogenic/Likely pathogenic. Review status: criteria provided, multiple submitters, no conflicts (2 of 4 stars). 5 submissions from 5 submitters: Pathogenic (4); Likely pathogenic (1). Last evaluated 2026-09-19.

Conditions:
Beta-D-mannosidosis (MANSB). Also called: MANNOSIDOSIS, BETA A, LYSOSOMAL; BETA-MANNOSIDASE DEFICIENCY; LYSOSOMAL BETA-MANNOSIDASE DEFICIENCY; Beta-Mannosidosis. Identifiers: Orphanet 118, MedGen C4048196, MONDO:0009562, OMIM 248510.
MANBA-related disorder. Also called: MANBA-related condition.

Allele frequency attached by ClinVar (database versions not stated): ExAC 0.00002; gnomAD 0.00004; gnomAD exomes 0.00004; TOPMed 0.00005.
gnomAD v4.1: 65 of 1,613,202 alleles (0.004%); highest among the groups gnomAD compares: Middle Eastern, 0.049%; no homozygotes.

Submissions (5):

PreventionGenetics, part of Exact Sciences
Classification: Pathogenic for MANBA-related condition. Last evaluated: 2026-09-19. Review status: criteria provided, single submitter. Criteria: ACMG Guidelines, 2015. Collection method: clinical testing. Allele origin: germline.
Comment: The MANBA c.1753C>T variant is predicted to result in premature protein termination (p.Arg585*). This variant was reported in the homozygous state in an individual with beta-mannosidosis (Supplementary Table 1, Gorukmez et al. 2023. PubMed ID: 36964972). This variant is reported in 0.011% of alleles in individuals of East Asian descent in gnomAD. Nonsense variants in MANBA are expected to be pathogenic. This variant is interpreted as pathogenic.

Victorian Clinical Genetics Services, Murdoch Childrens Research Institute
Classification: Pathogenic for Beta-D-mannosidosis. Last evaluated: 2025-08-14. Review status: criteria provided, single submitter. Criteria: ACMG Guidelines, 2015. Collection method: clinical testing. Allele origin: germline. Affected: yes.
Comment: This variant is classified as Pathogenic. Evidence in support of pathogenic classification: Variant is predicted to cause nonsense-mediated decay (NMD) and loss of protein (premature termination codon is located at least 54 nucleotides upstream of the final exon-exon junction); Variant is present in gnomAD <0.01 for a recessive condition (v4: 65 heterozygote(s), 0 homozygote(s)); This variant has limited previous evidence of pathogenicity in unrelated individual(s). This variant has been classified as likely pathogenic and pathogenic by clinical laboratories in ClinVar; Other NMD-predicted variant(s) comparable to the one identified in this case have very strong previous evidence for pathogenicity (DECIPHER). Additional information: This variant is heterozygous; This gene is associated with autosomal recessive disease; Loss of function is a known mechanism of disease in this gene and is associated with beta-mannosidosis (MIM#248510).

Blueprint Genetics
Classification: Pathogenic for MANBA-related disorders. Last evaluated: 2024-06-27. Review status: criteria provided, single submitter. Criteria: ACMG Guidelines, 2015. Collection method: clinical testing. Allele origin: germline. Affected: yes. Observed: 5 variant alleles.

Labcorp Genetics (formerly Invitae), Labcorp
Classification: Pathogenic for Beta-D-mannosidosis. Last evaluated: 2024-02-24. Review status: criteria provided, single submitter. Criteria: Invitae Variant Classification Sherloc (09022015). Collection method: clinical testing. Allele origin: germline.
Comment: This sequence change creates a premature translational stop signal (p.Arg585*) in the MANBA gene. It is expected to result in an absent or disrupted protein product. Loss-of-function variants in MANBA are known to be pathogenic (PMID: 9384606, 12468273). This variant is present in population databases (rs759449765, gnomAD 0.01%). This variant has not been reported in the literature in individuals affected with MANBA-related conditions. ClinVar contains an entry for this variant (Variation ID: 1705136). For these reasons, this variant has been classified as Pathogenic.

Women's Health and Genetics/Laboratory Corporation of America, LabCorp
Classification: Likely pathogenic for Beta-D-mannosidosis. Last evaluated: 2022-08-18. Review status: criteria provided, single submitter. Criteria: LabCorp Variant Classification Summary - May 2015. Collection method: clinical testing. Allele origin: germline.
Comment: Variant summary: MANBA c.1753C>T (p.Arg585X) results in a premature termination codon, predicted to cause a truncation of the encoded protein or absence of the protein due to nonsense mediated decay, which are commonly known mechanisms for disease. Truncations downstream of this position have been classified as pathogenic in ClinVar. The variant allele was found at a frequency of 2.8e-05 in 251160 control chromosomes (gnomAD). To our knowledge, no occurrence of c.1753C>T in individuals affected with Beta-Mannosidosis and no experimental evidence demonstrating its impact on protein function have been reported. No clinical diagnostic laboratories have submitted clinical-significance assessments for this variant to ClinVar after 2014. Based on the evidence outlined above, the variant was classified as likely pathogenic.

Literature cited by the submitters: PubMed 9384606 (cited by Labcorp Genetics (formerly Invitae), Labcorp); PubMed 12468273 (cited by Labcorp Genetics (formerly Invitae), Labcorp).